The following is an entry in ClinVar:

NM_000059.4(BRCA2):c.4990A>G (p.Ile1664Val)

Gene: BRCA2 (BRCA2 DNA repair associated; plus strand). Cytogenetic location: 13q13.1.
Variant type: single nucleotide variant.
Coding change: c.4990A>G on transcript NM_000059.4 (MANE Select); coding-DNA position 4990, A replaced by G.
Protein change: p.Ile1664Val; replaces isoleucine 1664 with valine.
Molecular consequence: missense variant.
Genome position (GRCh38, 1-based): chr13:32,339,345, A>G. VCF-style: chr13-32339345-A-G. GRCh37 (hg19) VCF-style: chr13-32913482-A-G.
Other names: c.4990A>G (NM_000059.3); short protein forms I1664V.
Identifiers: ClinVar variation 1000790 (VCV001000790.11), dbSNP rs2072517745, ClinGen allele CA387783889.
Genomic context (GRCh38, chr13:32,339,345, plus strand): 5'-GAAAAAGAAACAGCAAAAAGTCCTGCAACTTGTTACACAAATCAGTCCCCTTATTCAGTC[A>G]TTGAAAATTCAGCCTTAGCTTTTTACACAAGTTGTAGTAGAAAAACTTCTGTGAGTCAGA-3'
Protein context (NP_000050.3, residues 1654-1674): CYTNQSPYSV[Ile1664Val]ENSALAFYTS

ClinVar aggregate classification (germline): Conflicting classifications of pathogenicity. Review status: criteria provided, conflicting classifications (1 of 4 stars). 3 submissions from 3 submitters: Uncertain significance (2); Likely benign (1). Last evaluated 2024-10-21.

Conditions:
Hereditary cancer-predisposing syndrome. Also called: Neoplastic Syndromes, Hereditary; Tumor predisposition; Hereditary Cancer Syndrome; Hereditary neoplastic syndrome. Identifiers: Orphanet 140162, MedGen C0027672, MeSH D009386, MONDO:0015356.
Hereditary breast ovarian cancer syndrome. Also called: Hereditary breast and ovarian cancer syndrome; Hereditary breast and/or ovarian cancer syndrome; Hereditary breast and ovarian cancer syndrome (HBOC); Breast and ovarian cancer; BRCA1- and BRCA2-Associated Hereditary Breast and Ovarian Cancer; Hereditary breast and ovarian cancer. Identifiers: Orphanet 145, MedGen C0677776, MeSH D061325, MONDO:0003582. Disease mechanism: loss of function.

Allele frequency attached by ClinVar (database versions not stated): gnomAD exomes below 0.00001.
gnomAD v4.1: 1 of 1,590,506 alleles (0.000063%); highest among the groups gnomAD compares: Non-Finnish European, 0.000085%; no homozygotes.

Submissions (3):

Ambry Genetics
Classification: Uncertain significance for Hereditary cancer-predisposing syndrome. Last evaluated: 2024-10-21. Review status: criteria provided, single submitter. Criteria: Ambry Variant Classification Scheme 2023. Collection method: clinical testing. Allele origin: germline.
Comment: The p.I1664V variant (also known as c.4990A>G), located in coding exon 10 of the BRCA2 gene, results from an A to G substitution at nucleotide position 4990. The isoleucine at codon 1664 is replaced by valine, an amino acid with highly similar properties. This amino acid position is conserved. In addition, this alteration is predicted to be tolerated by in silico analysis. Based on the available evidence, the clinical significance of this variant remains unclear.

Labcorp Genetics (formerly Invitae), Labcorp
Classification: Uncertain significance for Hereditary breast ovarian cancer syndrome. Last evaluated: 2024-05-21. Review status: criteria provided, single submitter. Criteria: Invitae Variant Classification Sherloc (09022015). Collection method: clinical testing. Allele origin: germline.
Comment: This sequence change replaces isoleucine, which is neutral and non-polar, with valine, which is neutral and non-polar, at codon 1664 of the BRCA2 protein (p.Ile1664Val). This variant is not present in population databases (gnomAD no frequency). This variant has not been reported in the literature in individuals affected with BRCA2-related conditions. ClinVar contains an entry for this variant (Variation ID: 1000790). Advanced modeling of protein sequence and biophysical properties (such as structural, functional, and spatial information, amino acid conservation, physicochemical variation, residue mobility, and thermodynamic stability) performed at Invitae indicates that this missense variant is not expected to disrupt BRCA2 protein function with a negative predictive value of 95%. In summary, the available evidence is currently insufficient to determine the role of this variant in disease. Therefore, it has been classified as a Variant of Uncertain Significance.

University of Washington Department of Laboratory Medicine, University of Washington
Classification: Likely benign for Hereditary cancer-predisposing syndrome. Last evaluated: 2023-03-23. Review status: criteria provided, single submitter. Criteria: Dines et al. (Genet Med. 2020). Collection method: curation. Allele origin: germline.
Comment: Missense variant in a coldspot region where missense variants are very unlikely to be pathogenic (PMID:31911673).

BRCA2 exon 11 coldspot. Reclassification based on statistical prior probability.